The following is an entry in ClinVar:

ClinVar aggregate classification (germline): Pathogenic (1 of 4 stars; one submission).

Conditions:
Duchenne muscular dystrophy (DMD). Also called: MUSCULAR DYSTROPHY, PSEUDOHYPERTROPHIC PROGRESSIVE, DUCHENNE TYPE; Duchenne Muscular Dystrophy (DMD). Identifiers: Orphanet 98896, MedGen C0013264, MONDO:0010679, OMIM 310200.

Submission:

Labcorp Genetics (formerly Invitae), Labcorp
Classification: Pathogenic for Duchenne muscular dystrophy. Last evaluated: 2025-04-09. Review status: criteria provided, single submitter. Criteria: Invitae Variant Classification Sherloc (09022015). Collection method: clinical testing. Allele origin: germline.
Comment: This sequence change creates a premature translational stop signal (p.Gln1564*) in the DMD gene. It is expected to result in an absent or disrupted protein product. Loss-of-function variants in DMD are known to be pathogenic (PMID: 16770791, 25007885). This variant is not present in population databases (gnomAD no frequency). This premature translational stop signal has been observed in individual(s) with Duchenne muscular dystrophy (PMID: 19959795). For these reasons, this variant has been classified as Pathogenic.

Literature cited by the submitters: PubMed 16770791; PubMed 25007885; PubMed 19959795.

NM_004006.3(DMD):c.4690C>T (p.Gln1564Ter)

Gene: DMD (dystrophin; minus strand). Cytogenetic location: Xp21.1.
Variant type: single nucleotide variant.
Coding change: c.4690C>T on transcript NM_004006.3 (MANE Select); coding-DNA position 4690, C replaced by T.
Protein change: p.Gln1564Ter; replaces glutamine 1564 with a stop codon.
Molecular consequence: nonsense.
Genome position (GRCh38, 1-based): chrX:32,380,665, G>A on the plus strand (C>T on the coding strand, the complement: DMD is on the minus strand). VCF-style: chrX-32380665-G-A. GRCh37 (hg19) VCF-style: chrX-32398782-G-A.
Other names: c.4666C>T, p.Gln1556Ter (NM_000109.4); c.4678C>T, p.Gln1560Ter (NM_004009.3); c.4321C>T, p.Gln1441Ter (NM_004010.3); c.667C>T, p.Gln223Ter (NM_004011.4); c.658C>T, p.Gln220Ter (NM_004012.4); short protein forms Q1441*, Q1556*, Q1560*, Q1564*, Q220*, Q223*.
Identifiers: ClinVar variation 4710679 (VCV004710679.1), dbSNP rs2147472907.
Genomic context (GRCh38, chrX:32,380,665, plus strand): 5'-TCAAGACATTCATTTCCTTTCGCATCTTACGGGACAATTTCAAGCATTTCTCCAACTGTT[G>A]CTTTCTTTCTGTTACCTGAAAAGAATTATAATGAAATGTAATTTAGTTTACTCTTTAATT-3'